The following is an entry in ClinVar:

NM_000170.3(GLDC):c.470+1G>C

Gene: GLDC (glycine decarboxylase; minus strand). Cytogenetic location: 9p24.1.
Variant type: single nucleotide variant.
Coding change: c.470+1G>C on transcript NM_000170.3 (MANE Select); the canonical splice donor site of the intron after coding-DNA position 470, G replaced by C.
Molecular consequence: splice donor variant.
Genome position (GRCh38, 1-based): chr9:6,620,183, C>G on the plus strand (G>C on the coding strand, the complement: GLDC is on the minus strand). VCF-style: chr9-6620183-C-G. GRCh37 (hg19) VCF-style: chr9-6620183-C-G.
Identifiers: ClinVar variation 2735259 (VCV002735259.4), dbSNP rs2489124576, ClinGen allele CA372878996.

ClinVar aggregate classification (germline): Pathogenic (1 of 4 stars; one submission).

Conditions:
Glycine encephalopathy. Also called: Nonketotic hyperglycinemia; Non-ketotic hyperglycinemia. Identifiers: Orphanet 407, MedGen C0751748, MONDO:0011612, HP:0008288.

Submission:

Labcorp Genetics (formerly Invitae), Labcorp
Classification: Pathogenic for Glycine encephalopathy. Last evaluated: 2023-03-22. Review status: criteria provided, single submitter. Criteria: Invitae Variant Classification Sherloc (09022015). Collection method: clinical testing. Allele origin: germline.
Comment: This sequence change affects a donor splice site in intron 3 of the GLDC gene. It is expected to disrupt RNA splicing. Variants that disrupt the donor or acceptor splice site typically lead to a loss of protein function (PMID: 16199547), and loss-of-function variants in GLDC are known to be pathogenic (PMID: 16601880). This variant is not present in population databases (gnomAD no frequency). Disruption of this splice site has been observed in individual(s) with glycine encephalopathy (PMID: 27362913). Algorithms developed to predict the effect of sequence changes on RNA splicing suggest that this variant may disrupt the consensus splice site. For these reasons, this variant has been classified as Pathogenic.

Literature cited by the submitters: PubMed 16199547; PubMed 16601880; PubMed 27362913.